The following is an entry in ClinVar:

ClinVar aggregate classification (germline): Uncertain significance (1 of 4 stars; one submission).

Submission:

Labcorp Genetics (formerly Invitae), Labcorp
Classification: Uncertain significance. Last evaluated: 2023-05-21. Review status: criteria provided, single submitter. Criteria: Invitae Variant Classification Sherloc (09022015). Collection method: clinical testing. Allele origin: germline.
Comment: This variant is not present in population databases (gnomAD no frequency). This sequence change replaces proline, which is neutral and non-polar, with serine, which is neutral and polar, at codon 2342 of the FBN3 protein (p.Pro2342Ser). This variant has not been reported in the literature in individuals affected with FBN3-related conditions. In summary, the available evidence is currently insufficient to determine the role of this variant in disease. Therefore, it has been classified as a Variant of Uncertain Significance. Advanced modeling of protein sequence and biophysical properties (such as structural, functional, and spatial information, amino acid conservation, physicochemical variation, residue mobility, and thermodynamic stability) performed at Invitae indicates that this missense variant is not expected to disrupt FBN3 protein function.

NM_032447.5(FBN3):c.7024C>T (p.Pro2342Ser)

Gene: FBN3 (fibrillin 3; minus strand). Cytogenetic location: 19p13.2.
Variant type: single nucleotide variant.
Coding change: c.7024C>T on transcript NM_032447.5 (MANE Select); coding-DNA position 7024, C replaced by T.
Protein change: p.Pro2342Ser; replaces proline 2342 with serine.
Molecular consequence: missense variant.
Genome position (GRCh38, 1-based): chr19:8,085,426, G>A on the plus strand (C>T on the coding strand, the complement: FBN3 is on the minus strand). VCF-style: chr19-8085426-G-A. GRCh37 (hg19) VCF-style: chr19-8150310-G-A.
Other names: c.7024C>T, p.Pro2342Ser (NM_001321431.2); short protein forms P2342S.
Identifiers: ClinVar variation 2866720 (VCV002866720.3), dbSNP rs2512606352, ClinGen allele CA403708535.
Genomic context (GRCh38, chr19:8,085,426, plus strand): 5'-GGCCCTCAGCAGTGTAGCCTGAGCCATGGGGGCACAGCTTCCTGTAGGCAGAGGTGCCGG[G>A]CAGGGGACAGAGCTCGCAGCGGGGCCCCCAGCCCCGGCCACCCCCACAGCAGCACTCGGC-3'
Protein context (NP_115823.3, residues 2332-2352): WGPRCELCPL[Pro2342Ser]GTSAYRKLCP